The following is an entry in ClinVar:

NM_000059.4(BRCA2):c.6785T>G (p.Met2262Arg)

Gene: BRCA2 (BRCA2 DNA repair associated; plus strand). Cytogenetic location: 13q13.1.
Variant type: single nucleotide variant.
Coding change: c.6785T>G on transcript NM_000059.4 (MANE Select); coding-DNA position 6785, T replaced by G.
Protein change: p.Met2262Arg; replaces methionine 2262 with arginine.
Molecular consequence: missense variant.
Genome position (GRCh38, 1-based): chr13:32,341,140, T>G. VCF-style: chr13-32341140-T-G. GRCh37 (hg19) VCF-style: chr13-32915277-T-G.
Other names: p.M2262R:ATG>AGG; 7013T>G; short protein forms M2262R.
Identifiers: ClinVar variation 52183 (VCV000052183.32), dbSNP rs80358904, ClinGen allele CA024407.

ClinVar aggregate classification (germline): Conflicting classifications of pathogenicity. Review status: criteria provided, conflicting classifications (1 of 4 stars). 15 submissions from 14 submitters: Uncertain significance (5); Benign (1); Likely benign (6). 3 of the submissions do not count toward it. Last evaluated 2025-12-24.

Conditions:
Familial colorectal cancer type X. Identifiers: Orphanet 440437, MedGen C3896578, MONDO:0018604.
Hereditary cancer-predisposing syndrome. Also called: Tumor predisposition; Neoplastic Syndromes, Hereditary; Hereditary neoplastic syndrome; Hereditary Cancer Syndrome. Identifiers: Orphanet 140162, MedGen C0027672, MeSH D009386, MONDO:0015356.
Hereditary breast ovarian cancer syndrome. Also called: Hereditary breast and ovarian cancer; BRCA1- and BRCA2-Associated Hereditary Breast and Ovarian Cancer; Hereditary breast and/or ovarian cancer syndrome; Hereditary breast and ovarian cancer syndrome; Breast and ovarian cancer; Hereditary breast and ovarian cancer syndrome (HBOC). Identifiers: Orphanet 145, MedGen C0677776, MeSH D061325, MONDO:0003582. Disease mechanism: loss of function.
Breast-ovarian cancer, familial, susceptibility to, 2 (BROVCA2). Also called: BRCA2 Hereditary Breast and Ovarian Cancer. Identifiers: Orphanet 145, MedGen C2675520, MONDO:0012933, OMIM 612555. Disease mechanism: loss of function.
Fanconi anemia complementation group D1. Also called: BRCA2-Related Fanconi Anemia. Identifiers: Orphanet 319462, MedGen C1838457, MONDO:0011584, OMIM 605724.

Allele frequency attached by ClinVar (database versions not stated): gnomAD 0.00001; gnomAD exomes 0.00001.
gnomAD v4.1: 24 of 1,613,830 alleles (0.0015%); highest among the groups gnomAD compares: Non-Finnish European, 0.0016%; no homozygotes.

Submissions (15):

Labcorp Genetics (formerly Invitae), Labcorp
Classification: Likely benign for Hereditary breast ovarian cancer syndrome. Last evaluated: 2025-12-24. Review status: criteria provided, single submitter. Criteria: Invitae Variant Classification Sherloc (09022015). Collection method: clinical testing. Allele origin: germline.

Quest Diagnostics Nichols Institute San Juan Capistrano
Classification: Uncertain significance. Last evaluated: 2025-08-01. Review status: criteria provided, single submitter. Criteria: Quest Diagnostics criteria. Collection method: clinical testing. Allele origin: unknown.
Comment: The BRCA2 c.6785T>G (p.Met2262Arg) variant has been reported in the published literature in an affected individual with ovarian cancer (PMID: 22711857 (2012)), as well as reportedly unaffected individuals (PMID: 33471991 (2021), see also LOVD). It is also described to be located in a region of the BRCA2 gene that is tolerant to missense sequence changes (PMID: 31911673 (2020)). The frequency of this variant in the general population (Genome Aggregation Database) is uninformative in the assessment of its pathogenicity. Analysis of this variant using bioinformatics tools for the prediction of the effect of amino acid changes on protein structure and function yielded predictions that this variant is benign. Based on the available information, we are unable to determine the clinical significance of this variant.

Blueprint Genetics
Classification: Likely benign. Last evaluated: 2024-11-05. Review status: criteria provided, single submitter. Criteria: ACMG Guidelines, 2015. Collection method: clinical testing. Allele origin: germline.

Department of Pathology and Laboratory Medicine, Sinai Health System
Classification: Likely benign for Familial colorectal cancer type X. Last evaluated: 2024-04-18. Review status: criteria provided, single submitter. Criteria: ACMG Guidelines, 2015. Collection method: clinical testing. Allele origin: germline. Affected: yes.

Women's Health and Genetics/Laboratory Corporation of America, LabCorp
Classification: Uncertain significance. Last evaluated: 2023-09-12. Review status: criteria provided, single submitter. Criteria: LabCorp Variant Classification Summary - May 2015. Collection method: clinical testing. Allele origin: germline.
Comment: Variant summary: BRCA2 c.6785T>G (p.Met2262Arg) results in a non-conservative amino acid change in the encoded protein sequence. Four of five in-silico tools predict a benign effect of the variant on protein function. The variant allele was found at a frequency of 8e-06 in 251098 control chromosomes (gnomAD). The available data on variant occurrences in the general population are insufficient to allow any conclusion about variant significance. c.6785T>G has been reported in the literature in at-least one individual with a diagnosis of ovarian cancer, however authors classified the variant as uncertain significance (example: Alsop_2012). This report does not provide unequivocal conclusions about association of the variant with Hereditary Breast And Ovarian Cancer Syndrome. To our knowledge, no experimental evidence demonstrating an impact on protein function has been reported. The following publication has been ascertained in the context of this evaluation (PMID: 22711857). Nine submitters have cited clinical-significance assessments for this variant to ClinVar after 2014 and classified the variant as VUS(n=4) and benign/likely benign(n= 5). Based on the evidence outlined above, the variant was classified as uncertain significance.

University of Washington Department of Laboratory Medicine, University of Washington
Classification: Likely benign for Hereditary cancer-predisposing syndrome. Last evaluated: 2023-03-23. Review status: criteria provided, single submitter. Criteria: Dines et al. (Genet Med. 2020). Collection method: curation. Allele origin: germline.
Comment: Missense variant in a coldspot region where missense variants are very unlikely to be pathogenic (PMID:31911673).

BRCA2 exon 11 coldspot. Reclassification based on statistical prior probability.

Genetic Services Laboratory, University of Chicago
Classification: Uncertain significance. Last evaluated: 2021-09-17. Review status: criteria provided, single submitter. Criteria: ACMG Guidelines, 2015. Collection method: clinical testing. Allele origin: germline. Affected: no.
Comment: DNA sequence analysis of the BRCA2 gene demonstrated a sequence change, c.6785T>G, in exon 11 that results in an amino acid change, p.Met2262Arg. This sequence change has been described in the gnomAD database with a frequency of 0.0018% in the non-Finnish European subpopulation (dbSNP rs80358904). The p.Met2262Arg change affects a poorly conserved amino acid residue located in a domain of the BRCA2 protein that is known to be functional. The p.Met2262Arg substitution appears to be benign using several in-silico pathogenicity prediction tools (SIFT, PolyPhen2, Align GVGD, REVEL). This sequence change does not appear to have been previously described in individuals with BRCA2-related disorders, however, a different amino acid change at the same position, p.Met2262Thr, has been reported in an individual with triple negative breast cancer (PMID: 26010302). Due to insufficient evidences and the lack of functional studies, the clinical significance of the p.Met2262Arg change remains unknown at this time.

Ambry Genetics
Classification: Likely benign for Hereditary cancer-predisposing syndrome. Last evaluated: 2019-03-29. Review status: criteria provided, single submitter. Criteria: Ambry Variant Classification Scheme 2023. Collection method: clinical testing. Allele origin: germline.

GeneDx
Classification: Likely benign. Last evaluated: 2019-01-31. Review status: criteria provided, single submitter. Criteria: GeneDx Variant Classification Process June 2021. Collection method: clinical testing. Allele origin: germline. Affected: yes.
Comment: This variant is associated with the following publications: (PMID: 22711857)

Illumina Laboratory Services, Illumina
Classification: Uncertain significance for Fanconi anemia complementation group D1. Last evaluated: 2017-04-27. Review status: criteria provided, single submitter. Criteria: ICSL Variant Classification Criteria 13 December 2019. Collection method: clinical testing. Allele origin: germline.

Illumina Laboratory Services, Illumina
Classification: Uncertain significance for Breast-ovarian cancer, familial, susceptibility to, 2. Last evaluated: 2017-04-27. Review status: criteria provided, single submitter. Criteria: ICSL Variant Classification Criteria 13 December 2019. Collection method: clinical testing. Allele origin: germline.

Color Diagnostics, LLC DBA Color Health
Classification: Benign for Hereditary cancer-predisposing syndrome. Last evaluated: 2016-05-18. Review status: criteria provided, single submitter. Criteria: ACMG Guidelines, 2015. Collection method: clinical testing. Allele origin: germline.

Counsyl
Classification: Uncertain significance for Breast-ovarian cancer, familial, susceptibility to, 2. Last evaluated: 2017-12-27. Review status: no assertion criteria provided. Collection method: clinical testing. Allele origin: unknown. Not counted in ClinVar's aggregate classification.

Sharing Clinical Reports Project (SCRP)
Classification: Likely benign for Breast-ovarian cancer, familial 2. Last evaluated: 2012-11-30. Review status: no assertion criteria provided. Collection method: clinical testing. Allele origin: germline. Not counted in ClinVar's aggregate classification.

Breast Cancer Information Core (BIC) (BRCA2)
Classification: Uncertain significance for Breast-ovarian cancer, familial 2. Last evaluated: 2004-02-20. Review status: no assertion criteria provided. Collection method: clinical testing. Allele origin: germline. Affected: yes. Observed: 3 variant alleles. Not counted in ClinVar's aggregate classification.

Literature cited by the submitters: PubMed 33471991 (cited by Quest Diagnostics Nichols Institute San Juan Capistrano and Department of Pathology and Laboratory Medicine, Sinai Health System); PubMed 31911673 (cited by Quest Diagnostics Nichols Institute San Juan Capistrano); PubMed 22711857 (cited by 4 submitters).